The following is an entry in ClinVar:

NM_170707.4(LMNA):c.771G>A (p.Glu257=)

Gene: LMNA (lamin A/C; plus strand). Cytogenetic location: 1q22.
Variant type: single nucleotide variant.
Coding change: c.771G>A on transcript NM_170707.4 (MANE Select); coding-DNA position 771, G replaced by A.
Protein change: p.Glu257=; no amino-acid change (glutamic acid 257 retained).
Molecular consequence: synonymous variant.
Genome position (GRCh38, 1-based): chr1:156,134,936, G>A. VCF-style: chr1-156134936-G-A. GRCh37 (hg19) VCF-style: chr1-156104727-G-A.
Other names: c.435G>A, p.Glu145= (NM_001257374.3); c.528G>A, p.Glu176= (NM_001282624.2); c.771G>A, p.Glu257= (NM_001282625.2, NM_001282626.2, NM_005572.4 and 1 more transcripts).
Identifiers: ClinVar variation 476832 (VCV000476832.14), dbSNP rs1471649557, ClinGen allele CA421068522.
Genomic context (GRCh38, chr1:156,134,936, plus strand): 5'-TGAGAGCCGGCTGGCGGATGCGCTGCAGGAACTGCGGGCCCAGCATGAGGACCAGGTGGA[G>A]CAGTATAAGAAGGAGCTGGAGAAGACTTATTCTGCCAAGGTGCTTGCTCTCGATTGGTTC-3'
Protein context (NP_733821.1, residues 247-267): ELRAQHEDQV[Glu257=]QYKKELEKTY

ClinVar aggregate classification (germline): Likely benign. Review status: criteria provided, multiple submitters, no conflicts (2 of 4 stars). 4 submissions from 4 submitters: Likely benign (4). Last evaluated 2026-03-04.

Conditions:
LMNA-related disorder. Also called: LMNA-related condition; LMNA-related disease; LMNA-related disorders. Identifiers: MedGen CN380145.
Cardiovascular phenotype. Identifiers: MedGen CN230736.
Charcot-Marie-Tooth disease type 2. Also called: Charcot-Marie-Tooth type 2. Identifiers: Orphanet 64746, MedGen C0270914, MONDO:0018993.
Primary dilated cardiomyopathy (DCM). Also called: Dilated Cardiomyopathy. Identifiers: Orphanet 217604, MedGen C0007193, MeSH D002311, MONDO:0005021, HP:0001644. Inheritance: Various modes of inheritance.

Allele frequency attached by ClinVar (database versions not stated): gnomAD 0.00001; gnomAD exomes 0.00003.
gnomAD v4.1: 43 of 1,614,116 alleles (0.0027%); highest among the groups gnomAD compares: Non-Finnish European, 0.0032%; no homozygotes.

Submissions (4):

PreventionGenetics, part of Exact Sciences
Classification: Likely benign for LMNA-related condition. Last evaluated: 2026-03-04. Review status: criteria provided, single submitter. Criteria: ACMG Guidelines, 2015. Collection method: clinical testing. Allele origin: germline.
Comment: This variant is classified as likely benign based on ACMG/AMP sequence variant interpretation guidelines (Richards et al. 2015 PMID: 25741868, with internal and published modifications).

Labcorp Genetics (formerly Invitae), Labcorp
Classification: Likely benign for Charcot-Marie-Tooth disease type 2. Last evaluated: 2025-01-29. Review status: criteria provided, single submitter. Criteria: Invitae Variant Classification Sherloc (09022015). Collection method: clinical testing. Allele origin: germline.

All of Us Research Program, National Institutes of Health
Classification: Likely benign for Primary dilated cardiomyopathy. Last evaluated: 2023-12-13. Review status: criteria provided, single submitter. Criteria: ACMG Guidelines, 2015. Collection method: clinical testing. Allele origin: germline. Inheritance: Autosomal dominant inheritance. Observed: 4 variant alleles, 4 heterozygotes.
Comment: This study involves interpretation of variants in research participants for the purpose of population health screening. Participant phenotype was not available at the time of variant classification. Additional details can be found in publication PMID: 35346344, PMCID: PMC8962531

Ambry Genetics
Classification: Likely benign for Cardiovascular phenotype. Last evaluated: 2019-07-11. Review status: criteria provided, single submitter. Criteria: Ambry Variant Classification Scheme 2023. Collection method: clinical testing. Allele origin: germline.